The following is an entry in ClinVar:

NM_006361.6(HOXB13):c.489G>C (p.Leu163=)

Gene: HOXB13 (homeobox B13; minus strand). Cytogenetic location: 17q21.32.
Variant type: single nucleotide variant.
Coding change: c.489G>C on transcript NM_006361.6 (MANE Select); coding-DNA position 489, G replaced by C.
Protein change: p.Leu163=; no amino-acid change (leucine 163 retained).
Molecular consequence: synonymous variant.
Genome position (GRCh38, 1-based): chr17:48,728,105, C>G on the plus strand (G>C on the coding strand, the complement: HOXB13 is on the minus strand). VCF-style: chr17-48728105-C-G. GRCh37 (hg19) VCF-style: chr17-46805467-C-G.
Identifiers: ClinVar variation 483478 (VCV000483478.16), dbSNP rs199561305, ClinGen allele CA8633981.
Genomic context (GRCh38, chr17:48,728,105, plus strand): 5'-ACACATCTGGCTGTTCCAGCCACCAGCGAGAGCCCAAGACTGGTAACTGTCCACAGGCAA[C>G]AGGGAGTCATGTCGCGGTTCTCCAGGAGCACCCAGAGTCTGCACCACAGACACGTCCAGG-3'
Protein context (NP_006352.2, residues 153-173): GAPGEPRHDS[Leu163=]LPVDSYQSWA

ClinVar aggregate classification (germline): Benign/Likely benign. Review status: criteria provided, multiple submitters, no conflicts (2 of 4 stars). 4 submissions from 4 submitters: Benign (1); Likely benign (3). Last evaluated 2026-01-02.

Conditions:
Prostate cancer, hereditary, 9 (HPC9). Identifiers: Orphanet 1331, MedGen C1970250, MONDO:0012597, OMIM 610997.
Hereditary cancer-predisposing syndrome. Also called: Neoplastic Syndromes, Hereditary; Tumor predisposition; Hereditary Cancer Syndrome; Hereditary neoplastic syndrome. Identifiers: Orphanet 140162, MedGen C0027672, MeSH D009386, MONDO:0015356.

Allele frequency attached by ClinVar (database versions not stated): gnomAD 0.00001 and 0.00004; gnomAD exomes 0.00001 and 0.00013; TOPMed 0.00001; ExAC 0.00002; 1000 Genomes Project 30x 0.00016; 1000 Genomes Project 0.00020.

Submissions (4):

Labcorp Genetics (formerly Invitae), Labcorp
Classification: Likely benign. Last evaluated: 2026-01-02. Review status: criteria provided, single submitter. Criteria: Invitae Variant Classification Sherloc (09022015). Collection method: clinical testing. Allele origin: germline.

Myriad Genetics, Inc.
Classification: Benign for Prostate cancer, hereditary, 9. Last evaluated: 2024-10-30. Review status: criteria provided, single submitter. Criteria: Myriad Autosomal Dominant, Autosomal Recessive and X-Linked Classification Criteria (2023). Collection method: clinical testing. Allele origin: unknown.
Comment: This variant is considered benign. This variant is a silent/synonymous amino acid change and it is not expected to impact splicing.

Department of Pathology and Laboratory Medicine, Sinai Health System
Classification: Likely benign for Prostate cancer, hereditary, 9. Last evaluated: 2023-02-03. Review status: criteria provided, single submitter. Criteria: ACMG Guidelines, 2015. Collection method: clinical testing. Allele origin: germline. Affected: yes.

Ambry Genetics
Classification: Likely benign for Hereditary cancer-predisposing syndrome. Last evaluated: 2017-04-19. Review status: criteria provided, single submitter. Criteria: Ambry Variant Classification Scheme 2023. Collection method: clinical testing. Allele origin: germline.